The following is an entry in ClinVar:

ClinVar aggregate classification (germline): Uncertain significance (1 of 4 stars; one submission).

Conditions:
HYPERHOMOCYSTEINEMIA, THROMBOTIC, CBS-RELATED. Identifiers: MedGen C3150344, OMIM 236200.

Allele frequency attached by ClinVar (database versions not stated): gnomAD 0.00003.

Submission:

Labcorp Genetics (formerly Invitae), Labcorp
Classification: Uncertain significance for HYPERHOMOCYSTEINEMIA, THROMBOTIC, CBS-RELATED. Last evaluated: 2022-04-24. Review status: criteria provided, single submitter. Criteria: Invitae Variant Classification Sherloc (09022015). Collection method: clinical testing. Allele origin: germline.
Comment: This sequence change replaces phenylalanine, which is neutral and non-polar, with serine, which is neutral and polar, at codon 99 of the CBS protein (p.Phe99Ser). This variant is not present in population databases (gnomAD no frequency). This variant has not been reported in the literature in individuals affected with CBS-related conditions. Algorithms developed to predict the effect of missense changes on protein structure and function (SIFT, PolyPhen-2, Align-GVGD) all suggest that this variant is likely to be tolerated. In summary, the available evidence is currently insufficient to determine the role of this variant in disease. Therefore, it has been classified as a Variant of Uncertain Significance.

NM_000071.3(CBS):c.296T>C (p.Phe99Ser)

Gene: CBS (cystathionine beta-synthase; minus strand). Cytogenetic location: 21q22.3.
Variant type: single nucleotide variant.
Coding change: c.296T>C on transcript NM_000071.3 (MANE Select); coding-DNA position 296, T replaced by C.
Protein change: p.Phe99Ser; replaces phenylalanine 99 with serine.
Molecular consequence: missense variant.
Genome position (GRCh38, 1-based): chr21:43,068,529, A>G on the plus strand (T>C on the coding strand, the complement: CBS is on the minus strand). VCF-style: chr21-43068529-A-G. GRCh37 (hg19) VCF-style: chr21-44488639-A-G.
Other names: c.296T>C, p.Phe99Ser (NM_001178008.3, NM_001178009.3, NM_001320298.2); short protein forms F99S.
Identifiers: ClinVar variation 1516009 (VCV001516009.5), dbSNP rs112029370, ClinGen allele CA410602019.